The following is an entry in ClinVar:

NM_001371279.1(REEP1):c.32+6del

Gene: REEP1 (receptor accessory protein 1; minus strand). Cytogenetic location: 2p11.2.
Variant type: Deletion.
Coding change: c.32+6del on transcript NM_001371279.1 (MANE Select); 6 bases into the intron after coding-DNA position 32, one base deleted (T; older notation c.32+6delT).
Molecular consequence: intron variant.
Genome position (GRCh38, 1-based): chr2:86,337,473, A deleted on the plus strand (T on the coding strand, the reverse complement: REEP1 is on the minus strand). VCF-style (leftmost placement, unchanged base first): chr2-86337472-CA-C. GRCh37 (hg19) VCF-style: chr2-86564595-CA-C.
Other names: c.53+551del (NM_001164730.2); c.24+6del (NM_001164731.2); c.32+6del (NM_001164732.2, NM_001371280.1, NM_022912.3).
Identifiers: ClinVar variation 2025476 (VCV002025476.4), dbSNP rs2469203228, ClinGen allele CA2580068273.

ClinVar aggregate classification (germline): Uncertain significance (1 of 4 stars; one submission).

Conditions:
Hereditary spastic paraplegia 31. Also called: SPASTIC PARAPLEGIA 31, AUTOSOMAL DOMINANT. Identifiers: Orphanet 101011, MedGen C1853247, MONDO:0012453, OMIM 610250.

Submission:

Labcorp Genetics (formerly Invitae), Labcorp
Classification: Uncertain significance for Hereditary spastic paraplegia 31. Last evaluated: 2022-08-22. Review status: criteria provided, single submitter. Criteria: Invitae Variant Classification Sherloc (09022015). Collection method: clinical testing. Allele origin: germline.
Comment: In summary, the available evidence is currently insufficient to determine the role of this variant in disease. Therefore, it has been classified as a Variant of Uncertain Significance. Variants that disrupt the consensus splice site are a relatively common cause of aberrant splicing (PMID: 17576681, 9536098). Algorithms developed to predict the effect of sequence changes on RNA splicing suggest that this variant may disrupt the consensus splice site. This variant has not been reported in the literature in individuals affected with REEP1-related conditions. This variant is not present in population databases (gnomAD no frequency). This sequence change falls in intron 1 of the REEP1 gene. It does not directly change the encoded amino acid sequence of the REEP1 protein. It affects a nucleotide within the consensus splice site.

Literature cited by the submitters: PubMed 17576681; PubMed 9536098.